The following is an entry in ClinVar:

NM_016599.5(MYOZ2):c.27G>C (p.Lys9Asn)

Gene: MYOZ2 (myozenin 2; plus strand). Cytogenetic location: 4q26.
Variant type: single nucleotide variant.
Coding change: c.27G>C on transcript NM_016599.5 (MANE Select); coding-DNA position 27, G replaced by C.
Protein change: p.Lys9Asn; replaces lysine 9 with asparagine.
Molecular consequence: missense variant.
Genome position (GRCh38, 1-based): chr4:119,136,552, G>C. VCF-style: chr4-119136552-G-C. GRCh37 (hg19) VCF-style: chr4-120057707-G-C.
Other names: short protein forms K9N.
Identifiers: ClinVar variation 2190330 (VCV002190330.4), dbSNP rs765333692, ClinGen allele CA104969014.

ClinVar aggregate classification (germline): Uncertain significance (1 of 4 stars; one submission).

Conditions:
Hypertrophic cardiomyopathy. Also called: HYPERTROPHIC MYOCARDIOPATHY. Identifiers: Orphanet 217569, MedGen C0007194, MeSH D002312, MONDO:0005045, HP:0001639.

Allele frequency attached by ClinVar (database versions not stated): gnomAD exomes below 0.00001.
gnomAD v4.1: 1 of 1,613,656 alleles (0.000062%); highest among the groups gnomAD compares: Admixed American, 0.0017%; no homozygotes.

Submission:

Labcorp Genetics (formerly Invitae), Labcorp
Classification: Uncertain significance for Hypertrophic cardiomyopathy. Last evaluated: 2025-04-01. Review status: criteria provided, single submitter. Criteria: Invitae Variant Classification Sherloc (09022015). Collection method: clinical testing. Allele origin: germline.
Comment: This sequence change replaces lysine, which is basic and polar, with asparagine, which is neutral and polar, at codon 9 of the MYOZ2 protein (p.Lys9Asn). This variant is present in population databases (no rsID available, gnomAD 0.003%). This variant has not been reported in the literature in individuals affected with MYOZ2-related conditions. ClinVar contains an entry for this variant (Variation ID: 2190330). An algorithm developed to predict the effect of missense changes on protein structure and function (PolyPhen-2) suggests that this variant is likely to be disruptive. In summary, the available evidence is currently insufficient to determine the role of this variant in disease. Therefore, it has been classified as a Variant of Uncertain Significance.